The following is an entry in ClinVar:

ClinVar aggregate classification (germline): Uncertain significance (1 of 4 stars; one submission).

Conditions:
Conotruncal heart malformations (CTHM). Also called: Conotruncal heart malformations, variable. Identifiers: Orphanet 2445, Orphanet 3384, Orphanet 3426, MedGen C1857586, MONDO:0016581, OMIM 217095.

Allele frequency attached by ClinVar (database versions not stated): TOPMed below 0.00001.

Submission:

Labcorp Genetics (formerly Invitae), Labcorp
Classification: Uncertain significance for Conotruncal heart malformations. Last evaluated: 2023-01-30. Review status: criteria provided, single submitter. Criteria: Invitae Variant Classification Sherloc (09022015). Collection method: clinical testing. Allele origin: germline.
Comment: In summary, the available evidence is currently insufficient to determine the role of this variant in disease. Therefore, it has been classified as a Variant of Uncertain Significance. Advanced modeling of protein sequence and biophysical properties (such as structural, functional, and spatial information, amino acid conservation, physicochemical variation, residue mobility, and thermodynamic stability) performed at Invitae indicates that this missense variant is not expected to disrupt NKX2-6 protein function. This variant has not been reported in the literature in individuals affected with NKX2-6-related conditions. This variant is not present in population databases (gnomAD no frequency). This sequence change replaces asparagine, which is neutral and polar, with histidine, which is basic and polar, at codon 114 of the NKX2-6 protein (p.Asn114His).

NM_001136271.3(NKX2-6):c.340A>C (p.Asn114His)

Gene: NKX2-6 (NK2 homeobox 6; minus strand). Cytogenetic location: 8p21.2.
Variant type: single nucleotide variant.
Coding change: c.340A>C on transcript NM_001136271.3 (MANE Select); coding-DNA position 340, A replaced by C.
Protein change: p.Asn114His; replaces asparagine 114 with histidine.
Molecular consequence: missense variant.
Genome position (GRCh38, 1-based): chr8:23,703,017, T>G on the plus strand (A>C on the coding strand, the complement: NKX2-6 is on the minus strand). VCF-style: chr8-23703017-T-G. GRCh37 (hg19) VCF-style: chr8-23560530-T-G.
Other names: short protein forms N114H.
Identifiers: ClinVar variation 2966995 (VCV002966995.3), dbSNP rs931354964, ClinGen allele CA370603194.
Genomic context (GRCh38, chr8:23,703,017, plus strand): 5'-TCCGTCGTTGCCGCGCCTTGGGCTGCTCCGAGCGGCCACCCCGCACGCTGTCGCCGCTGT[T>G]GCCAACGCCGCGCTCTGGCACCCTGGTCCCGCCGCCGAGGGGCGAGGCCGCGTTCAGGCC-3'
Protein context (NP_001129743.2, residues 104-124): GTRVPERGVG[Asn114His]SGDSVRGGRS